The following is an entry in ClinVar:

NM_000111.3(SLC26A3):c.1407T>A (p.Cys469Ter)

Gene: SLC26A3 (solute carrier family 26 member 3; minus strand). Cytogenetic location: 7q22.3.
Variant type: single nucleotide variant.
Coding change: c.1407T>A on transcript NM_000111.3 (MANE Select); coding-DNA position 1407, T replaced by A.
Protein change: p.Cys469Ter; replaces cysteine 469 with a stop codon.
Molecular consequence: nonsense.
Genome position (GRCh38, 1-based): chr7:107,779,668, A>T on the plus strand (T>A on the coding strand, the complement: SLC26A3 is on the minus strand). VCF-style: chr7-107779668-A-T. GRCh37 (hg19) VCF-style: chr7-107420113-A-T.
Other names: short protein forms C469*.
Identifiers: ClinVar variation 2753284 (VCV002753284.3), dbSNP rs1232510324, ClinGen allele CA368851314.
Genomic context (GRCh38, chr7:107,779,668, plus strand): 5'-ATTAGCATTAAAATGCTATTGTGATTTATCTCTCTTTCAAATACTATTGCCTCTACTTAC[A>T]CAATCATATTTGTCCTTTCGCCACAATCTGCCTATTTCAGCAAACTGCATCAGCATTCCC-3'

ClinVar aggregate classification (germline): Pathogenic (1 of 4 stars; one submission).

Submission:

Labcorp Genetics (formerly Invitae), Labcorp
Classification: Pathogenic. Last evaluated: 2023-08-17. Review status: criteria provided, single submitter. Criteria: Invitae Variant Classification Sherloc (09022015). Collection method: clinical testing. Allele origin: germline.
Comment: For these reasons, this variant has been classified as Pathogenic. This variant has not been reported in the literature in individuals affected with SLC26A3-related conditions. This variant is not present in population databases (gnomAD no frequency). This sequence change creates a premature translational stop signal (p.Cys469*) in the SLC26A3 gene. It is expected to result in an absent or disrupted protein product. Loss-of-function variants in SLC26A3 are known to be pathogenic (PMID: 9718329, 21394828).

Literature cited by the submitters: PubMed 9718329; PubMed 21394828.